The following is an entry in ClinVar:

ClinVar aggregate classification (germline): Uncertain significance (1 of 4 stars; one submission).

Conditions:
Gastrointestinal stromal tumor. Also called: Gastrointestinal stromal tumor, somatic; Gastrointestinal stroma tumor. Identifiers: Orphanet 44890, MedGen C0238198, MeSH D046152, MONDO:0011719, OMIM 606764, HP:0100723.

Submission:

Labcorp Genetics (formerly Invitae), Labcorp
Classification: Uncertain significance for Gastrointestinal stromal tumor. Last evaluated: 2025-05-18. Review status: criteria provided, single submitter. Criteria: Invitae Variant Classification Sherloc (09022015). Collection method: clinical testing. Allele origin: germline.
Comment: This sequence change replaces valine, which is neutral and non-polar, with phenylalanine, which is neutral and non-polar, at codon 64 of the KIT protein (p.Val64Phe). This variant is not present in population databases (gnomAD no frequency). This variant has not been reported in the literature in individuals affected with KIT-related conditions. An algorithm developed to predict the effect of missense changes on protein structure and function (PolyPhen-2) suggests that this variant is likely to be tolerated. In summary, the available evidence is currently insufficient to determine the role of this variant in disease. Therefore, it has been classified as a Variant of Uncertain Significance.

NM_000222.3(KIT):c.190G>T (p.Val64Phe)

Gene: KIT (KIT proto-oncogene, receptor tyrosine kinase; plus strand). Cytogenetic location: 4q12.
Variant type: single nucleotide variant.
Coding change: c.190G>T on transcript NM_000222.3 (MANE Select); coding-DNA position 190, G replaced by T.
Protein change: p.Val64Phe; replaces valine 64 with phenylalanine.
Molecular consequence: missense variant.
Genome position (GRCh38, 1-based): chr4:54,695,634, G>T. VCF-style: chr4-54695634-G-T. GRCh37 (hg19) VCF-style: chr4-55561800-G-T.
Other names: c.190G>T, p.Val64Phe (NM_001385284.1, NM_001385285.1, NM_001385286.1 and 4 more transcripts); short protein forms V64F.
Identifiers: ClinVar variation 4719715 (VCV004719715.1).
Genomic context (GRCh38, chr4:54,695,634, plus strand): 5'-TCAGACTTAATAGTCCGCGTGGGCGACGAGATTAGGCTGTTATGCACTGATCCGGGCTTT[G>T]TCAAATGGACTTTTGAGATCCTGGATGAAACGAATGAGAATAAGCAGAATGAATGGATCA-3'
Protein context (NP_000213.1, residues 54-74): IRLLCTDPGF[Val64Phe]KWTFEILDET